The following is an entry in ClinVar:

NM_015629.4(PRPF31):c.862C>A (p.Arg288=)

Gene: PRPF31 (pre-mRNA processing factor 31; plus strand). Cytogenetic location: 19q13.42.
Variant type: single nucleotide variant.
Coding change: c.862C>A on transcript NM_015629.4 (MANE Select); coding-DNA position 862, C replaced by A.
Protein change: p.Arg288=; no amino-acid change (arginine 288 retained).
Molecular consequence: synonymous variant.
Genome position (GRCh38, 1-based): chr19:54,126,534, C>A. VCF-style: chr19-54126534-C-A. GRCh37 (hg19) VCF-style: chr19-54629909-C-A.
Other names: c.862C>A (NM_015629.3).
Identifiers: ClinVar variation 2967766 (VCV002967766.4), dbSNP rs376236959, ClinGen allele CA407751788.

ClinVar aggregate classification (germline): Likely benign. Review status: criteria provided, multiple submitters, no conflicts (2 of 4 stars). 2 submissions from 2 submitters: Likely benign (2). Last evaluated 2026-05-08.

Conditions:
PRPF31-related disorder. Also called: PRPF31-related condition.

Allele frequency attached by ClinVar (database versions not stated): ESP Exome Variant Server 0.00008.
gnomAD v4.1: 58 of 1,612,892 alleles (0.0036%); highest among the groups gnomAD compares: Non-Finnish European, 0.0047%; no homozygotes.

Submissions (2):

PreventionGenetics, part of Exact Sciences
Classification: Likely benign for PRPF31-related condition. Last evaluated: 2026-05-08. Review status: criteria provided, single submitter. Criteria: ACMG Guidelines, 2015. Collection method: clinical testing. Allele origin: germline.
Comment: This variant is classified as likely benign based on ACMG/AMP sequence variant interpretation guidelines (Richards et al. 2015 PMID: 25741868, with internal and published modifications).

Labcorp Genetics (formerly Invitae), Labcorp
Classification: Likely benign. Last evaluated: 2023-09-01. Review status: criteria provided, single submitter. Criteria: Invitae Variant Classification Sherloc (09022015). Collection method: clinical testing. Allele origin: germline.